The following is an entry in ClinVar:

ClinVar aggregate classification (germline): Uncertain significance (1 of 4 stars; one submission).

Allele frequency attached by ClinVar (database versions not stated): TOPMed below 0.00001.

Submission:

Greenwood Genetic Center Diagnostic Laboratories, Greenwood Genetic Center
Classification: Uncertain significance. Last evaluated: 2023-01-24. Review status: criteria provided, single submitter. Criteria: ACMG Guidelines, 2015. Collection method: clinical testing. Allele origin: germline. Affected: yes.
Comment: PM2

NM_005862.3(STAG1):c.3517A>C (p.Met1173Leu)

Gene: STAG1 (STAG1 cohesin complex component; minus strand). Cytogenetic location: 3q22.3.
Variant type: single nucleotide variant.
Coding change: c.3517A>C on transcript NM_005862.3 (MANE Select); coding-DNA position 3517, A replaced by C.
Protein change: p.Met1173Leu; replaces methionine 1173 with leucine.
Molecular consequence: missense variant.
Genome position (GRCh38, 1-based): chr3:136,341,481, T>G on the plus strand (A>C on the coding strand, the complement: STAG1 is on the minus strand). VCF-style: chr3-136341481-T-G. GRCh37 (hg19) VCF-style: chr3-136060323-T-G.
Other names: short protein forms M1173L.
Identifiers: ClinVar variation 2505237 (VCV002505237.1), dbSNP rs1042814423, ClinGen allele CA83827549.